The following is an entry in ClinVar:

ClinVar aggregate classification (germline): Uncertain significance (1 of 4 stars; one submission).

Submission:

Labcorp Genetics (formerly Invitae), Labcorp
Classification: Uncertain significance. Last evaluated: 2023-06-26. Review status: criteria provided, single submitter. Criteria: Invitae Variant Classification Sherloc (09022015). Collection method: clinical testing. Allele origin: germline.
Comment: This sequence change falls in intron 4 of the FGFR3 gene. It does not directly change the encoded amino acid sequence of the FGFR3 protein. It affects a nucleotide within the consensus splice site. This variant is not present in population databases (gnomAD no frequency). In summary, the available evidence is currently insufficient to determine the role of this variant in disease. Therefore, it has been classified as a Variant of Uncertain Significance. Variants that disrupt the consensus splice site are a relatively common cause of aberrant splicing (PMID: 17576681, 9536098). Algorithms developed to predict the effect of sequence changes on RNA splicing suggest that this variant may create or strengthen a splice site. This variant has not been reported in the literature in individuals affected with FGFR3-related conditions.

Literature cited by the submitters: PubMed 17576681; PubMed 9536098.

NM_000142.5(FGFR3):c.436_445+2dup

Gene: FGFR3 (fibroblast growth factor receptor 3; plus strand). Cytogenetic location: 4p16.3.
Variant type: Duplication.
Coding change: c.436_445+2dup on transcript NM_000142.5 (MANE Select); coding-DNA position 436 through the canonical splice donor site of the intron after coding-DNA position 445, 12 bases duplicated (GTGGACACAGGT).
Molecular consequence: splice donor variant.
Genome position (GRCh38, 1-based): chr4:1,799,803-1,799,814, GTGGACACAGGT duplicated; duplicating any 12 consecutive bases within chr4:1,799,793-1,799,814 gives the same sequence; the c. name uses the placement nearest the transcript's 3' end. VCF-style (leftmost placement, unchanged base first): chr4-1799792-A-AGGACACAGGTGT. GRCh37 (hg19) VCF-style: chr4-1801519-A-AGGACACAGGTGT.
Other names: c.436_445+2dup (NM_001163213.2, NM_001354809.2, NM_001354810.2 and 1 more transcripts).
Identifiers: ClinVar variation 3012688 (VCV003012688.3), dbSNP rs1030059712, ClinGen allele CA1058525442.
Genomic context (GRCh38, chr4:1,799,792, plus strand): 5'-ATCTCTGCCTTGCAGACGCTCCATCCTCGGGAGATGACGAAGACGGGGAGGACGAGGCTG[A>AGGACACAGGTGT]GGACACAGGTGTGGACACAGGTAGGAGCAGGGTCCAGGGTTCAGGCCAGCCGGGGTGGGG-3'